The following is an entry in ClinVar:

ClinVar aggregate classification (germline): Uncertain significance. Review status: criteria provided, multiple submitters, no conflicts (2 of 4 stars). 3 submissions from 3 submitters: Uncertain significance (3). Last evaluated 2025-12-29.

Conditions:
Amyotrophic lateral sclerosis type 6. Also called: Amyotrophic lateral sclerosis 6, with or without frontotemporal dementia; FUS-Related Amyotrophic Laterial Sclerosis; AMYOTROPHIC LATERAL SCLEROSIS 6 WITHOUT FRONTOTEMPORAL DEMENTIA. Identifiers: Orphanet 275872, Orphanet 803, MedGen C2931786, MONDO:0011951, OMIM 608030.
Tremor, hereditary essential, 4 (ETM4). Identifiers: MedGen C3539195, MONDO:0013888, OMIM 614782.
FUS-related disorder. Also called: FUS-related condition.
Inborn genetic diseases. Identifiers: MedGen C0950123, MeSH D030342.

Allele frequency attached by ClinVar (database versions not stated): ExAC 0.00001; gnomAD exomes 0.00002; ESP Exome Variant Server 0.00008.
gnomAD v4.1: 31 of 1,611,712 alleles (0.0019%); highest among the groups gnomAD compares: Non-Finnish European, 0.0025%; no homozygotes.

Submissions (4):

PreventionGenetics, part of Exact Sciences
Classification: Uncertain significance for FUS-related condition. Last evaluated: 2025-12-29. Review status: criteria provided, single submitter. Criteria: ACMG Guidelines, 2015. Collection method: clinical testing. Allele origin: germline.
Comment: The FUS c.1543G>A variant is predicted to result in the amino acid substitution p.Gly515Ser. This variant has been reported in cis with an adjacent change (p.Gly514Gly) in a patient with amyotrophic lateral sclerosis (Liscic et al. 2010. PubMed ID: 20655970). This variant is reported in 0.0018% of alleles in individuals of European (non-Finnish) descent in gnomAD. At this time, the clinical significance of this variant is uncertain due to the absence of conclusive functional and genetic evidence.

Labcorp Genetics (formerly Invitae), Labcorp
Classification: Uncertain significance for Tremor, hereditary essential, 4; Amyotrophic lateral sclerosis type 6. Last evaluated: 2023-12-25. Review status: criteria provided, single submitter. Criteria: Invitae Variant Classification Sherloc (09022015). Collection method: clinical testing. Allele origin: germline.
Comment: This sequence change replaces glycine, which is neutral and non-polar, with serine, which is neutral and polar, at codon 515 of the FUS protein (p.Gly515Ser). This variant is present in population databases (rs369757630, gnomAD 0.0009%). This missense change has been observed in individual(s) with FUS-related conditions (PMID: 20655970). ClinVar contains an entry for this variant (Variation ID: 1774893). An algorithm developed to predict the effect of missense changes on protein structure and function (PolyPhen-2) suggests that this variant is likely to be disruptive. In summary, the available evidence is currently insufficient to determine the role of this variant in disease. Therefore, it has been classified as a Variant of Uncertain Significance.

Ambry Genetics
Classification: Uncertain significance for Inborn genetic diseases. Last evaluated: 2022-06-24. Review status: criteria provided, single submitter. Criteria: Ambry Variant Classification Scheme 2023. Collection method: clinical testing. Allele origin: germline.
Comment: The p.G515S variant (also known as c.1543G>A), located in coding exon 15 of the FUS gene, results from a G to A substitution at nucleotide position 1543. The glycine at codon 515 is replaced by serine, an amino acid with similar properties. This amino acid position is highly conserved in available vertebrate species. In addition, the in silico prediction for this alteration is inconclusive. Since supporting evidence is limited at this time, the clinical significance of this alteration remains unclear.

Dr. Peter K. Rogan Lab, Western University
No classification provided (evidence only). Condition: Colorectal cancer. Review status: no classification provided. Collection method: in vitro. Allele origin: not applicable. Functional consequence: retained intron. Not counted in ClinVar's aggregate classification.

Literature cited by the submitters: PubMed 20655970 (cited by Labcorp Genetics (formerly Invitae), Labcorp).

NM_004960.4(FUS):c.1543G>A (p.Gly515Ser)

Gene: FUS (FUS RNA binding protein; plus strand). Cytogenetic location: 16p11.2.
Variant type: single nucleotide variant.
Coding change: c.1543G>A on transcript NM_004960.4 (MANE Select); coding-DNA position 1543, G replaced by A.
Protein change: p.Gly515Ser; replaces glycine 515 with serine.
Molecular consequence: missense variant. On other transcripts: non-coding transcript variant (1).
Genome position (GRCh38, 1-based): chr16:31,191,400, G>A. VCF-style: chr16-31191400-G-A. GRCh37 (hg19) VCF-style: chr16-31202721-G-A.
Other names: c.1540G>A, p.Gly514Ser (NM_001170634.1); c.1531G>A, p.Gly511Ser (NM_001170937.1); short protein forms G514S, G511S, G515S.
Identifiers: ClinVar variation 1774893 (VCV001774893.7), dbSNP rs369757630, ClinGen allele CA8024116.
Genomic context (GRCh38, chr16:31,191,400, plus strand): 5'-TTGGAGAGGCTGGTAACTCAAATATAATGGATACTTAATTTTTTTTTTTTTTTTTGCAGG[G>A]GTGAGCACAGACAGGATCGCAGGGAGAGGCCGTATTAATTAGCCTGGCTCCCCAGGTTCT-3'
Protein context (NP_004951.1, residues 505-525): GFGPGKMDSR[Gly515Ser]EHRQDRRERP